The following is an entry in ClinVar:

NM_170606.3(KMT2C):c.5631C>G (p.Pro1877=)

Gene: KMT2C (lysine methyltransferase 2C; minus strand). Cytogenetic location: 7q36.1.
Variant type: single nucleotide variant.
Coding change: c.5631C>G on transcript NM_170606.3 (MANE Select); coding-DNA position 5631, C replaced by G.
Protein change: p.Pro1877=; no amino-acid change (proline 1877 retained).
Molecular consequence: synonymous variant.
Genome position (GRCh38, 1-based): chr7:152,182,229, G>C on the plus strand (C>G on the coding strand, the complement: KMT2C is on the minus strand). VCF-style: chr7-152182229-G-C. GRCh37 (hg19) VCF-style: chr7-151879314-G-C.
Other names: c.5631C>G (NM_170606.2).
Identifiers: ClinVar variation 1600071 (VCV001600071.34), dbSNP rs149026515, ClinGen allele CA4580221.

ClinVar aggregate classification (germline): Benign/Likely benign. Review status: criteria provided, multiple submitters, no conflicts (2 of 4 stars). 4 submissions from 4 submitters: Benign (1); Likely benign (2). 1 of the submissions does not count toward it. Last evaluated 2026-07-01.

Conditions:
KMT2C-related disorder. Also called: KMT2C-related condition; KMT2C-related disorders.

Allele frequency attached by ClinVar (database versions not stated): gnomAD exomes 0.00014 and 0.00039; ExAC 0.00049; gnomAD 0.00129 and 0.00137; TOPMed 0.00142; ESP Exome Variant Server 0.00154; 1000 Genomes Project 0.00160; 1000 Genomes Project 30x 0.00172.
gnomAD v4.1: 404 of 1,614,032 alleles (0.025%); highest among the groups gnomAD compares: African/African-American, 0.5%; 2 homozygotes.

Submissions (4):

CeGaT Center for Human Genetics Tuebingen
Classification: Likely benign. Last evaluated: 2026-07-01. Review status: criteria provided, single submitter. Criteria: CeGaT Center For Human Genetics Tuebingen Variant Classification Criteria Version 2. Collection method: clinical testing. Allele origin: germline. Affected: yes. Observed: 2 variant alleles.
Comment: KMT2C: BP4, BP7, BS1

Labcorp Genetics (formerly Invitae), Labcorp
Classification: Benign. Last evaluated: 2026-01-19. Review status: criteria provided, single submitter. Criteria: Invitae Variant Classification Sherloc (09022015). Collection method: clinical testing. Allele origin: germline.

Blueprint Genetics
Classification: Likely benign. Last evaluated: 2023-12-29. Review status: criteria provided, single submitter. Criteria: ACMG Guidelines, 2015. Collection method: clinical testing. Allele origin: germline.

PreventionGenetics, part of Exact Sciences
Classification: Benign for KMT2C-related condition. Last evaluated: 2021-03-09. Review status: no assertion criteria provided. Collection method: clinical testing. Allele origin: germline. Not counted in ClinVar's aggregate classification.
Comment: This variant is classified as benign based on ACMG/AMP sequence variant interpretation guidelines (Richards et al. 2015 PMID: 25741868, with internal and published modifications).